The following is an entry in ClinVar:

NM_003647.3(DGKE):c.288G>C (p.Glu96Asp)

Gene: DGKE (diacylglycerol kinase epsilon; plus strand). Cytogenetic location: 17q22.
Variant type: single nucleotide variant.
Coding change: c.288G>C on transcript NM_003647.3 (MANE Select); coding-DNA position 288, G replaced by C.
Protein change: p.Glu96Asp; replaces glutamic acid 96 with aspartic acid.
Molecular consequence: missense variant.
Genome position (GRCh38, 1-based): chr17:56,835,083, G>C. VCF-style: chr17-56835083-G-C. GRCh37 (hg19) VCF-style: chr17-54912444-G-C.
Other names: short protein forms E96D.
Identifiers: ClinVar variation 1507066 (VCV001507066.8), dbSNP rs755966050, ClinGen allele CA399921855.

ClinVar aggregate classification (germline): Uncertain significance (1 of 4 stars; one submission).

Submission:

Labcorp Genetics (formerly Invitae), Labcorp
Classification: Uncertain significance. Last evaluated: 2022-11-22. Review status: criteria provided, single submitter. Criteria: Invitae Variant Classification Sherloc (09022015). Collection method: clinical testing. Allele origin: germline.
Comment: Advanced modeling of protein sequence and biophysical properties (such as structural, functional, and spatial information, amino acid conservation, physicochemical variation, residue mobility, and thermodynamic stability) performed at Invitae indicates that this missense variant is not expected to disrupt DGKE protein function. ClinVar contains an entry for this variant (Variation ID: 1507066). This variant has not been reported in the literature in individuals affected with DGKE-related conditions. This variant is not present in population databases (gnomAD no frequency). This sequence change replaces glutamic acid, which is acidic and polar, with aspartic acid, which is acidic and polar, at codon 96 of the DGKE protein (p.Glu96Asp). In summary, the available evidence is currently insufficient to determine the role of this variant in disease. Therefore, it has been classified as a Variant of Uncertain Significance.